The following is an entry in ClinVar:

NM_004260.4(RECQL4):c.1106T>C (p.Leu369Pro)

Gene: RECQL4 (RecQ like helicase 4; minus strand). Cytogenetic location: 8q24.3.
Variant type: single nucleotide variant.
Coding change: c.1106T>C on transcript NM_004260.4 (MANE Select); coding-DNA position 1106, T replaced by C.
Protein change: p.Leu369Pro; replaces leucine 369 with proline.
Molecular consequence: missense variant.
Genome position (GRCh38, 1-based): chr8:144,516,013, A>G on the plus strand (T>C on the coding strand, the complement: RECQL4 is on the minus strand). VCF-style: chr8-144516013-A-G. GRCh37 (hg19) VCF-style: chr8-145741397-A-G.
Other names: c.1010T>C, p.Leu337Pro (NM_001413017.1, NM_001413020.1); c.1106T>C, p.Leu369Pro (NM_001413018.1, NM_001413019.1, NM_001413033.1 and 2 more transcripts); c.35T>C, p.Leu12Pro (NM_001413021.1, NM_001413022.1, NM_001413023.1 and 8 more transcripts); c.977T>C, p.Leu326Pro (NM_001413025.1); c.-28T>C (NM_001413027.1, NM_001413030.1, NM_001413031.1 and 2 more transcripts); c.755T>C, p.Leu252Pro (NM_001413029.1); c.-235T>C (NM_001413043.1); short protein forms L12P, L337P, L369P, L252P, L326P.
Identifiers: ClinVar variation 1987107 (VCV001987107.4), dbSNP rs1586821015, ClinGen allele CA372688023.
Genomic context (GRCh38, chr8:144,516,013, plus strand): 5'-AAGGGAATGCCTGTCCTGGCCCGTCGCTGTCTTACCTGCTTGCGGAGGAGCCTGCTACGG[A>G]GTGCCCGGCCCCGCACGTAGTGTTTCTGCTTCATGTTGAGCCGTACGTAATTGCCCCTGT-3'
Protein context (NP_004251.4, residues 359-379): KQKHYVRGRA[Leu369Pro]RSRLLRKQAW

ClinVar aggregate classification (germline): Uncertain significance (1 of 4 stars; one submission).

Conditions:
Baller-Gerold syndrome (BGS). Also called: CRANIOSYNOSTOSIS WITH RADIAL DEFECTS. Identifiers: Orphanet 1225, MedGen C0265308, MONDO:0009039, OMIM 218600.

Allele frequency attached by ClinVar (database versions not stated): TOPMed below 0.00001.

Submission:

Labcorp Genetics (formerly Invitae), Labcorp
Classification: Uncertain significance for Baller-Gerold syndrome. Last evaluated: 2022-03-11. Review status: criteria provided, single submitter. Criteria: Invitae Variant Classification Sherloc (09022015). Collection method: clinical testing. Allele origin: germline.
Comment: In summary, the available evidence is currently insufficient to determine the role of this variant in disease. Therefore, it has been classified as a Variant of Uncertain Significance. Experimental studies and prediction algorithms are not available or were not evaluated, and the functional significance of this variant is currently unknown. This variant has not been reported in the literature in individuals affected with RECQL4-related conditions. This variant is not present in population databases (gnomAD no frequency). This sequence change replaces leucine, which is neutral and non-polar, with proline, which is neutral and non-polar, at codon 369 of the RECQL4 protein (p.Leu369Pro).